The following is an entry in ClinVar:

NM_001377229.1(DISP1):c.1081C>G (p.Leu361Val)

Gene: DISP1 (dispatched RND transporter family member 1; plus strand). Cytogenetic location: 1q41.
Variant type: single nucleotide variant.
Coding change: c.1081C>G on transcript NM_001377229.1 (MANE Select); coding-DNA position 1081, C replaced by G.
Protein change: p.Leu361Val; replaces leucine 361 with valine.
Molecular consequence: missense variant.
Genome position (GRCh38, 1-based): chr1:223,002,478, C>G. VCF-style: chr1-223002478-C-G. GRCh37 (hg19) VCF-style: chr1-223175820-C-G.
Other names: c.352C>G, p.Leu118Val (NM_001350630.2); c.1081C>G, p.Leu361Val (NM_001369594.1, NM_001377228.1, NM_032890.5); short protein forms L118V, L361V.
Identifiers: ClinVar variation 1510958 (VCV001510958.6), dbSNP rs144807113, ClinGen allele CA1409011.

ClinVar aggregate classification (germline): Uncertain significance (1 of 4 stars; one submission).

Allele frequency attached by ClinVar (database versions not stated): gnomAD exomes below 0.00001 and 0.00001; ExAC 0.00002; TOPMed 0.00006; gnomAD 0.00007 and 0.00008; ESP Exome Variant Server 0.00008.
gnomAD v4.1: 17 of 1,614,086 alleles (0.0011%); highest among the groups gnomAD compares: African/African-American, 0.02%; no homozygotes.

Submission:

Labcorp Genetics (formerly Invitae), Labcorp
Classification: Uncertain significance. Last evaluated: 2022-08-16. Review status: criteria provided, single submitter. Criteria: Invitae Variant Classification Sherloc (09022015). Collection method: clinical testing. Allele origin: germline.
Comment: In summary, the available evidence is currently insufficient to determine the role of this variant in disease. Therefore, it has been classified as a Variant of Uncertain Significance. Algorithms developed to predict the effect of missense changes on protein structure and function are either unavailable or do not agree on the potential impact of this missense change (SIFT: "Deleterious"; PolyPhen-2: "Possibly Damaging"; Align-GVGD: "Class C0"). ClinVar contains an entry for this variant (Variation ID: 1510958). This variant has not been reported in the literature in individuals affected with DISP1-related conditions. This variant is present in population databases (rs144807113, gnomAD 0.03%). This sequence change replaces leucine, which is neutral and non-polar, with valine, which is neutral and non-polar, at codon 361 of the DISP1 protein (p.Leu361Val).